The following is an entry in ClinVar:

NM_153704.6(TMEM67):c.1597G>A (p.Gly533Arg)

Gene: TMEM67 (transmembrane protein 67; plus strand). Cytogenetic location: 8q22.1.
Variant type: single nucleotide variant.
Coding change: c.1597G>A on transcript NM_153704.6 (MANE Select); coding-DNA position 1597, G replaced by A.
Protein change: p.Gly533Arg; replaces glycine 533 with arginine.
Molecular consequence: missense variant. On other transcripts: non-coding transcript variant (1).
Genome position (GRCh38, 1-based): chr8:93,793,219, G>A. VCF-style: chr8-93793219-G-A. GRCh37 (hg19) VCF-style: chr8-94805447-G-A.
Other names: c.1354G>A, p.Gly452Arg (NM_001142301.1); short protein forms G452R, G533R.
Identifiers: ClinVar variation 4974778 (VCV004974778.1).

ClinVar aggregate classification (germline): Uncertain significance (1 of 4 stars; one submission).

Conditions:
Meckel syndrome, type 3 (MKS3). Also called: MECKEL-GRUBER SYNDROME, TYPE 3. Identifiers: Orphanet 564, MedGen C1846357, MONDO:0011821, OMIM 607361.

gnomAD v4.1: 1 of 1,614,054 alleles (0.000062%); highest among the groups gnomAD compares: Non-Finnish European, 0.000085%; no homozygotes.

Submission:

Center of Reproductive Medicine, Zhuhai Center for Maternal and Child Health Care, South China University of Technology
Classification: Uncertain significance for Meckel syndrome, type 3. Last evaluated: 2026-08-28. Review status: criteria provided, single submitter. Criteria: ACMG Guidelines, 2015. Collection method: provider interpretation. Allele origin: germline. Inheritance: Autosomal recessive inheritance. Affected: yes. Observed: 1 variant allele, 1 heterozygote.
Comment: The TMEM67 c.1597G>A variant is a missense variant affecting a highly conserved residue. The variant is absent or extremely rare in population databases, and multiple in silico prediction tools suggest a deleterious effect on protein function. Missense variants are an established disease mechanism for TMEM67-related disorders. Based on ACMG/AMP criteria PM2, PP2, and PP3, this variant was classified as a variant of uncertain significance.

Literature cited by the submitters: PubMed 26191240; PubMed 20232449.